The following is an entry in ClinVar:

ClinVar aggregate classification (germline): Uncertain significance. Review status: criteria provided, multiple submitters, no conflicts (2 of 4 stars). 2 submissions from 2 submitters: Uncertain significance (2). Last evaluated 2025-05-23.

Conditions:
CYP7A1-related disorder. Also called: CYP7A1-related condition.

Allele frequency attached by ClinVar (database versions not stated): gnomAD exomes below 0.00001; ExAC 0.00002; gnomAD 0.00011; ESP Exome Variant Server 0.00015.

Submissions (2):

PreventionGenetics, part of Exact Sciences
Classification: Uncertain significance for CYP7A1-related condition. Last evaluated: 2025-05-23. Review status: criteria provided, single submitter. Criteria: ACMG Guidelines, 2015. Collection method: clinical testing. Allele origin: germline.
Comment: The CYP7A1 c.749G>T variant is predicted to result in the amino acid substitution p.Arg250Met. To our knowledge, this variant has not been reported in the literature. This variant is reported in 0.024% of alleles in individuals of African descent in gnomAD. At this time, the clinical significance of this variant is uncertain due to the absence of conclusive functional and genetic evidence.

Mayo Clinic Laboratories, Mayo Clinic
Classification: Uncertain significance. Last evaluated: 2022-07-08. Review status: criteria provided, single submitter. Criteria: ACMG Guidelines, 2015. Collection method: clinical testing. Allele origin: germline. Observed: 1 variant allele.
Comment: PM2

NM_000780.4(CYP7A1):c.749G>T (p.Arg250Met)

Gene: CYP7A1 (cytochrome P450 family 7 subfamily A member 1; minus strand). Cytogenetic location: 8q12.1.
Variant type: single nucleotide variant.
Coding change: c.749G>T on transcript NM_000780.4 (MANE Select); coding-DNA position 749, G replaced by T.
Protein change: p.Arg250Met; replaces arginine 250 with methionine.
Molecular consequence: missense variant.
Genome position (GRCh38, 1-based): chr8:58,496,763, C>A on the plus strand (G>T on the coding strand, the complement: CYP7A1 is on the minus strand). VCF-style: chr8-58496763-C-A. GRCh37 (hg19) VCF-style: chr8-59409322-C-A.
Other names: p.Arg250Met; short protein forms R250M.
Identifiers: ClinVar variation 2636582 (VCV002636582.3), dbSNP rs150039957, ClinGen allele CA4756744.